The following continues an entry in ClinVar:

NM_000059.4(BRCA2):c.9501+3A>T

Gene: BRCA2. ClinVar aggregate classification (germline): Benign. Benign (1).

Submissions 28 to 38 of 38:

Foulkes Cancer Genetics LDI, Lady Davis Institute for Medical Research
Classification: Uncertain significance for Breast and/or ovarian cancer. Last evaluated: 2013-08-23. Review status: no assertion criteria provided. Collection method: clinical testing. Allele origin: germline. Study: The Canadian Open Genetics Repository (COGR). Not counted in ClinVar's aggregate classification.

Sharing Clinical Reports Project (SCRP)
Classification: Benign for Breast-ovarian cancer, familial 2. Last evaluated: 2011-09-16. Review status: no assertion criteria provided. Collection method: clinical testing. Allele origin: germline. Not counted in ClinVar's aggregate classification.

Breast Cancer Information Core (BIC) (BRCA2)
Classification: Uncertain significance for Breast-ovarian cancer, familial 2. Last evaluated: 2002-05-29. Review status: no assertion criteria provided. Collection method: clinical testing. Allele origin: germline. Affected: yes. Observed: 15 variant alleles. Not counted in ClinVar's aggregate classification.

Clinical Genetics Laboratory, Department of Pathology, Netherlands Cancer Institute
Classification: Likely benign. Review status: no assertion criteria provided. Collection method: clinical testing. Allele origin: germline. Affected: yes. Study: VKGL Data-share Consensus. Not counted in ClinVar's aggregate classification.

Department of Pathology and Laboratory Medicine, Sinai Health System
Classification: Uncertain significance. Review status: no assertion criteria provided. Collection method: clinical testing. Allele origin: unknown. Affected: yes. Study: The Canadian Open Genetics Repository (COGR). Not counted in ClinVar's aggregate classification.
Comment: The BRCA2 c.9501+3A>T variant was identified in 3 of 4414 proband chromosomes (frequency: 0.001) from individuals or families with breast/ovarian cancers in 2 studies (Borg 2010, Papi 2009). Giannini et al. (2006) also identified the variant in an Italian cohort of breast/ovarian cancer families, frequency unspecified. Multiple functional assays using minigene reporters and/or RNA analysis have shown that the variant causes incomplete skipping of exon 25, with wildtype transcript present and the splicing alteration affecting only a fraction of the transcripts from the variant allele (Bonnet 2008, Whiley 2011, Acedo 2015, Houdayer 2012). The variant was also identified in dbSNP (ID: rs61757642) â€šÃ„ÃºWith likely pathogenic alleleâ€šÃ„Ã¹, in the Exome Variant Server project in 3 of 8600 European American alleles (frequency: 0.0003), the Exome Aggregation Consortium (ExAC) database (released Jan 13, 2015) in 18 of 121142 chromosomes (frequency: 0.0001) (or 16 individuals from a population of European (Non-Finnish) individuals and 2 individuals from a population of Latinos). It was also identified by our laboratory in 7 individuals with breast and ovarian cancer co-occuring with BRCA2 c.9976A>T in at least 3 individuals. The variant was identified in the Clinvitae database (4x), ARUP Laboratories BRCA Mutations Database (classification pathogenic), the ClinVar database with conflicting interpretations (classified as a benign variant by the Sharing Clinical Reports Project, derived from Myriad reports; classified as likely pathogenic by GeneDX and CHEO, and uncertain significance by Ambry Genetics, BIC and Invitae), GeneInsight COGR database (2x, classified as â€šÃ„Ãºlikely pathogenicâ€šÃ„Ã¹ and unclassified), the BIC database (15x with unknown clinical importance and pending classification), UMD (classified as likely casual 15x, including 1x co-occuring with a pathogenic mutation c.5796_5797delTA (p.His1932GlnfsX12)). The c.9501+3A>T variant is located in the 5' splice region but does not affect the invariant +1 and +2 positions. However, positions +3 to +6 are part of the splicing consensus sequence and variants involving these positions sometimes affect splicing. In addition, 4 of 5 in silico or computational prediction software programs (SpliceSiteFinder, MaxEntScan, NNSPLICE, GeneSplicer, HumanSpliceFinder) predict a greater than 10% difference in splicing. In summary, based on the above information, the clinical significance of this variant cannot be determined with certainty at this time. This variant is classified as a variant of unknown significance.

Diagnostic Laboratory, Department of Genetics, University Medical Center Groningen
Classification: Benign. Review status: no assertion criteria provided. Collection method: clinical testing. Allele origin: germline. Affected: yes. Study: VKGL Data-share Consensus. Not counted in ClinVar's aggregate classification.

Dr. Peter K. Rogan Lab, Western University
No classification provided (evidence only). Condition: Acute myeloid leukemia. Review status: no classification provided. Collection method: in vitro. Allele origin: not applicable. Functional consequence: retained intron. Not counted in ClinVar's aggregate classification.

Dr. Peter K. Rogan Lab, Western University
No classification provided (evidence only). Condition: Sarcoma. Review status: no classification provided. Collection method: in vitro. Allele origin: not applicable. Functional consequence: retained intron. Not counted in ClinVar's aggregate classification.

Joint Genome Diagnostic Labs from Nijmegen and Maastricht, Radboudumc and MUMC+
Classification: Benign. Review status: no assertion criteria provided. Collection method: clinical testing. Allele origin: germline. Affected: yes. Study: VKGL Data-share Consensus. Not counted in ClinVar's aggregate classification.

Laboratoire de Biologie et Génétique du Cancer, Centre François Baclesse
Classification: Uncertain significance for Breast-ovarian cancer, familial, susceptibility to, 2. Review status: no assertion criteria provided. Collection method: clinical testing. Allele origin: germline. Inheritance: Autosomal dominant inheritance. Affected: yes. Not counted in ClinVar's aggregate classification.

Laboratory of Diagnostic Genome Analysis, Leiden University Medical Center (LUMC)
Classification: Likely benign. Review status: no assertion criteria provided. Collection method: clinical testing. Allele origin: germline. Affected: yes. Study: VKGL Data-share Consensus. Not counted in ClinVar's aggregate classification.

Literature cited by the submitters: PubMed 31131967 (cited by Evidence-based Network for the Interpretation of Germline Mutant Alleles (ENIGMA) and Quest Diagnostics Nichols Institute San Juan Capistrano); PubMed 32398771 (cited by Quest Diagnostics Nichols Institute San Juan Capistrano and Victorian Clinical Genetics Services, Murdoch Childrens Research Institute); PubMed 31642931 (cited by Quest Diagnostics Nichols Institute San Juan Capistrano and Women's Health and Genetics/Laboratory Corporation of America, LabCorp); PubMed 28905878 (cited by Quest Diagnostics Nichols Institute San Juan Capistrano); PubMed 24618965 (cited by Quest Diagnostics Nichols Institute San Juan Capistrano); PubMed 28477318 (cited by Quest Diagnostics Nichols Institute San Juan Capistrano); PubMed 21702907 (cited by Quest Diagnostics Nichols Institute San Juan Capistrano and Women's Health and Genetics/Laboratory Corporation of America, LabCorp); PubMed 28657667 (cited by Quest Diagnostics Nichols Institute San Juan Capistrano); PubMed 25525159 (cited by Quest Diagnostics Nichols Institute San Juan Capistrano); PubMed 31343793 (cited by Quest Diagnostics Nichols Institute San Juan Capistrano); PubMed 31191615 (cited by Quest Diagnostics Nichols Institute San Juan Capistrano); PubMed 30623411 (cited by Quest Diagnostics Nichols Institute San Juan Capistrano); PubMed 29884136 (cited by Quest Diagnostics Nichols Institute San Juan Capistrano and Women's Health and Genetics/Laboratory Corporation of America, LabCorp); PubMed 24212087 (cited by 5 submitters); PubMed 18821011 (cited by 3 submitters); PubMed 21394826 (cited by 4 submitters); PubMed 20104584 (cited by 3 submitters); PubMed 18424508 (cited by 4 submitters); PubMed 22505045 (cited by 4 submitters); PubMed 25382762 (cited by 4 submitters); PubMed 36329109 (cited by Quest Diagnostics Nichols Institute San Juan Capistrano and Genetics Program, Instituto Nacional de Cancer); PubMed 32806537 (cited by Quest Diagnostics Nichols Institute San Juan Capistrano and Women's Health and Genetics/Laboratory Corporation of America, LabCorp); PubMed 28281021 (cited by Quest Diagnostics Nichols Institute San Juan Capistrano and Women's Health and Genetics/Laboratory Corporation of America, LabCorp); PubMed 26733283 (cited by Quest Diagnostics Nichols Institute San Juan Capistrano and Women's Health and Genetics/Laboratory Corporation of America, LabCorp); PubMed 35264596 (cited by Quest Diagnostics Nichols Institute San Juan Capistrano); PubMed 34597585 (cited by Quest Diagnostics Nichols Institute San Juan Capistrano and Women's Health and Genetics/Laboratory Corporation of America, LabCorp); PubMed 32438681 (cited by Quest Diagnostics Nichols Institute San Juan Capistrano and Women's Health and Genetics/Laboratory Corporation of America, LabCorp); PubMed 26295337 (cited by Quest Diagnostics Nichols Institute San Juan Capistrano); PubMed 22476429 (cited by Women's Health and Genetics/Laboratory Corporation of America, LabCorp); PubMed 16683254 (cited by Women's Health and Genetics/Laboratory Corporation of America, LabCorp); PubMed 16760289 (cited by Women's Health and Genetics/Laboratory Corporation of America, LabCorp); PubMed 16847550 (cited by Women's Health and Genetics/Laboratory Corporation of America, LabCorp); PubMed 21523855 (cited by Women's Health and Genetics/Laboratory Corporation of America, LabCorp); PubMed 30472649 (cited by Hereditary Cancer Genetics group, Vall d'Hebron Institute of Oncology).